The following is an entry in ClinVar:

NM_001367624.2(ZNF469):c.4529TGC[1] (p.Leu1511del)

Gene: ZNF469 (zinc finger protein 469; plus strand). Cytogenetic location: 16q24.2.
Variant type: Microsatellite.
Coding change: c.4529TGC[1] on transcript NM_001367624.2 (MANE Select); one copy of the 3-base unit TGC starting at c.4529; the reference has two copies in a row; one copy, 3 bases deleted; also written c.4532_4534del.
Protein change: p.Leu1511del; deletes leucine 1511.
Molecular consequence: inframe deletion.
Genome position (GRCh38, 1-based): chr16:88,432,002-88,432,004, TGC deleted; deleting any 3 consecutive bases within chr16:88,431,999-88,432,004 gives the same sequence; the position shown is the placement nearest the transcript's 3' end. VCF-style (leftmost placement, unchanged base first): chr16-88431998-ATGC-A. GRCh37 (hg19) VCF-style: chr16-88498406-ATGC-A.
Other names: NM_001127464.1:c.4448_4450delTGC; NM_001127464.1:c.4448_4450del; p.Leu1511del; c.4532_4534del (NM_001367624.2); c.4532_4534delTGC (NM_001367624.2); short protein forms L1511del.
Identifiers: ClinVar variation 320926 (VCV000320926.25), dbSNP rs555544144, ClinGen allele CA8224970.

ClinVar aggregate classification (germline): Likely benign. Review status: criteria provided, multiple submitters, no conflicts (2 of 4 stars). 7 submissions from 7 submitters: Likely benign (7). Last evaluated 2026-02-13.

Conditions:
Cardiovascular phenotype. Identifiers: MedGen CN230736.
Brittle cornea syndrome 1 (BCS1). Also called: CORNEAL FRAGILITY, KERATOGLOBUS, BLUE SCLERAE, JOINT HYPEREXTENSIBILITY; EDS6B; DYSGENESIS MESODERMALIS CORNEAE ET SCLERAE; FRAGILITAS OCULI WITH JOINT HYPEREXTENSIBILITY; Corneal fragility keratoglobus, blue sclerae AND joint hypermobility. Identifiers: Orphanet 90354, MedGen C0268344, MONDO:0024543, OMIM 229200.

Submissions (7):

Women's Health and Genetics/Laboratory Corporation of America, LabCorp
Classification: Likely benign. Last evaluated: 2026-02-13. Review status: criteria provided, single submitter. Criteria: LabCorp Variant Classification Summary - May 2015. Collection method: clinical testing. Allele origin: germline.
Comment: Variant summary: ZNF469 c.4532_4534delTGC (p.Leu1511del) results in an in-frame deletion that is predicted to remove one amino acid from the encoded protein. The variant allele was found at a frequency of 0.00059 in 153542 control chromosomes, predominantly at a frequency of 0.0095 within the African or African-American subpopulation in the gnomAD database. The observed variant frequency within African or African-American control individuals in the gnomAD database exceeds the estimated maximal expected allele frequency for disease-causing variants in ZNF469. To our knowledge, no occurrence of c.4532_4534delTGC in individuals affected with ZNF469-related conditions and no experimental evidence demonstrating its impact on protein function have been reported. ClinVar contains an entry for this variant (Variation ID: 320926). Based on the evidence outlined above, the variant was classified as likely benign.

CeGaT Center for Human Genetics Tuebingen
Classification: Likely benign. Last evaluated: 2026-02-01. Review status: criteria provided, single submitter. Criteria: CeGaT Center For Human Genetics Tuebingen Variant Classification Criteria Version 2. Collection method: clinical testing. Allele origin: germline. Affected: yes. Observed: 1 variant allele.
Comment: ZNF469: PM4:Supporting, BS2

Labcorp Genetics (formerly Invitae), Labcorp
Classification: Likely benign. Last evaluated: 2026-01-26. Review status: criteria provided, single submitter. Criteria: Invitae Variant Classification Sherloc (09022015). Collection method: clinical testing. Allele origin: germline.

Mayo Clinic Laboratories, Mayo Clinic
Classification: Likely benign. Last evaluated: 2025-10-21. Review status: criteria provided, single submitter. Criteria: ACMG Guidelines, 2015. Collection method: clinical testing. Allele origin: germline. Observed: 2 variant alleles.
Comment: BS1, BP3

GeneDx
Classification: Likely benign. Last evaluated: 2022-07-23. Review status: criteria provided, single submitter. Criteria: GeneDx Variant Classification Process June 2021. Collection method: clinical testing. Allele origin: germline. Affected: yes.
Comment: See Variant Classification Assertion Criteria.

Center for Genomics, Ann and Robert H. Lurie Children's Hospital of Chicago
Classification: Likely benign for Brittle cornea syndrome 1. Last evaluated: 2022-05-05. Review status: criteria provided, single submitter. Criteria: ACMG Guidelines, 2015. Collection method: clinical testing. Allele origin: germline.
Comment: This variant has not been reported in the literature but is present in the Genome Aggregation Database (Highest reported MAF 0.9% (9349/40890)) including in 3 homozygotes. This variant is present in ClinVar (Variation ID:320926). Evolutionary conservation and computational predictive tools for this variant are limited or unavailable. This variant represents an in-frame deletion of 1 amino acid at position 1511 within a repeat region and is not predicted to alter the reading frame. However, the effect of this variant on the protein is unclear. In summary, data on this variant suggests that this variant does not cause disease but requires further evidence. Therefore, this variant is classified as likely benign.

Ambry Genetics
Classification: Likely benign for Cardiovascular phenotype. Last evaluated: 2020-03-02. Review status: criteria provided, single submitter. Criteria: Ambry Variant Classification Scheme 2023. Collection method: clinical testing. Allele origin: germline.